The following is an entry in ClinVar:

ClinVar aggregate classification (germline): Uncertain significance. Review status: criteria provided, multiple submitters, no conflicts (2 of 4 stars). 2 submissions from 2 submitters: Uncertain significance (2). Last evaluated 2024-07-10.

Conditions:
Mitochondrial complex II deficiency, nuclear type 1. Also called: SUCCINATE CoQ REDUCTASE DEFICIENCY. Identifiers: Orphanet 3208, MedGen C5700310, MONDO:0100294, OMIM 252011.
Pheochromocytoma/paraganglioma syndrome 5. Also called: Paragangliomas 5; SDHA-Related Hereditary Paraganglioma-Pheochromocytoma Syndrome. Identifiers: Orphanet 29072, MedGen C3279992, MONDO:0013602, OMIM 614165.
Hereditary cancer-predisposing syndrome. Also called: Neoplastic Syndromes, Hereditary; Tumor predisposition; Hereditary Cancer Syndrome; Hereditary neoplastic syndrome. Identifiers: Orphanet 140162, MedGen C0027672, MeSH D009386, MONDO:0015356.

Submissions (2):

Labcorp Genetics (formerly Invitae), Labcorp
Classification: Uncertain significance for Pheochromocytoma/paraganglioma syndrome 5; Mitochondrial complex II deficiency, nuclear type 1. Last evaluated: 2024-07-10. Review status: criteria provided, single submitter. Criteria: Invitae Variant Classification Sherloc (09022015). Collection method: clinical testing. Allele origin: germline.
Comment: This sequence change replaces glutamine, which is neutral and polar, with histidine, which is basic and polar, at codon 375 of the SDHA protein (p.Gln375His). This variant is not present in population databases (gnomAD no frequency). This variant has not been reported in the literature in individuals affected with SDHA-related conditions. Advanced modeling of protein sequence and biophysical properties (such as structural, functional, and spatial information, amino acid conservation, physicochemical variation, residue mobility, and thermodynamic stability) performed at Invitae indicates that this missense variant is not expected to disrupt SDHA protein function with a negative predictive value of 95%. In summary, the available evidence is currently insufficient to determine the role of this variant in disease. Therefore, it has been classified as a Variant of Uncertain Significance.

Ambry Genetics
Classification: Uncertain significance for Hereditary cancer-predisposing syndrome. Last evaluated: 2023-11-09. Review status: criteria provided, single submitter. Criteria: Ambry Variant Classification Scheme 2023. Collection method: clinical testing. Allele origin: germline.
Comment: The p.Q375H variant (also known as c.1125G>T), located in coding exon 9 of the SDHA gene, results from a G to T substitution at nucleotide position 1125. The glutamine at codon 375 is replaced by histidine, an amino acid with highly similar properties. This amino acid position is conserved. In addition, the in silico prediction for this alteration is inconclusive. Since supporting evidence is limited at this time, the clinical significance of this alteration remains unclear.

NM_004168.4(SDHA):c.1125G>T (p.Gln375His)

Gene: SDHA (succinate dehydrogenase complex flavoprotein subunit A; plus strand). Cytogenetic location: 5p15.33.
Variant type: single nucleotide variant.
Coding change: c.1125G>T on transcript NM_004168.4 (MANE Select); coding-DNA position 1125, G replaced by T.
Protein change: p.Gln375His; replaces glutamine 375 with histidine.
Molecular consequence: missense variant.
Genome position (GRCh38, 1-based): chr5:235,204, G>T. VCF-style: chr5-235204-G-T. GRCh37 (hg19) VCF-style: chr5-235319-G-T.
Other names: c.1125G>T (NM_004168.2); c.981G>T, p.Gln327His (NM_001294332.2); c.1125G>T, p.Gln375His (NM_001330758.2); short protein forms Q327H, Q375H.
Identifiers: ClinVar variation 2948693 (VCV002948693.4), dbSNP rs2126584595, ClinGen allele CA359013509.
Genomic context (GRCh38, chr5:235,204, plus strand): 5'-AGGCTGTGGCCCTGAGAAAGATCACGTCTACCTGCAGCTGCACCACCTACCTCCAGAGCA[G>T]CTGGCCACGCGCCTGCCTGGCATTTCAGAGACAGCCATGATCTTCGCTGGCGTGGACGTC-3'
Protein context (NP_004159.2, residues 365-385): YLQLHHLPPE[Gln375His]LATRLPGISE